The following is an entry in ClinVar:

ClinVar aggregate classification (germline): Benign/Likely benign. Review status: criteria provided, multiple submitters, no conflicts (2 of 4 stars). 2 submissions from 2 submitters: Benign (1); Likely benign (1). Last evaluated 2023-02-01.

Allele frequency attached by ClinVar (database versions not stated): gnomAD exomes 0.00002 and 0.00008; gnomAD 0.00005; TOPMed 0.00005; ExAC 0.00006.
gnomAD v4.1: 38 of 1,207,837 alleles (0.0031%); highest among the groups gnomAD compares: East Asian, 0.053%; no homozygotes.

Submissions (2):

CeGaT Center for Human Genetics Tuebingen
Classification: Likely benign. Last evaluated: 2023-02-01. Review status: criteria provided, single submitter. Criteria: CeGaT Center For Human Genetics Tuebingen Variant Classification Criteria Version 2. Collection method: clinical testing. Allele origin: germline. Affected: yes. Observed: 1 variant allele.
Comment: GABRA3: BP4, BS2

Labcorp Genetics (formerly Invitae), Labcorp
Classification: Benign. Last evaluated: 2018-07-16. Review status: criteria provided, single submitter. Criteria: Invitae Variant Classification Sherloc (09022015). Collection method: clinical testing. Allele origin: germline.

NM_000808.4(GABRA3):c.1053T>C (p.Ser351=)

Gene: GABRA3 (gamma-aminobutyric acid type A receptor subunit alpha3; minus strand). Cytogenetic location: Xq28.
Variant type: single nucleotide variant.
Coding change: c.1053T>C on transcript NM_000808.4 (MANE Select); coding-DNA position 1053, T replaced by C.
Protein change: p.Ser351=; no amino-acid change (serine 351 retained).
Molecular consequence: synonymous variant.
Genome position (GRCh38, 1-based): chrX:152,189,820, A>G on the plus strand (T>C on the coding strand, the complement: GABRA3 is on the minus strand). VCF-style: chrX-152189820-A-G. GRCh37 (hg19) VCF-style: chrX-151358292-A-G.
Identifiers: ClinVar variation 759361 (VCV000759361.27), dbSNP rs752032476, ClinGen allele CA10543095.
Genomic context (GRCh38, chrX:152,189,820, plus strand): 5'-GCCTTCCCAAGCCCAACTCCGCTTGGTGAAATAGTTGACAGTGGCAAATTCAATCAGTGC[A>G]GAAAATACAAAGGCATAACAGACGGCTATGAACCAGTCCATGGCCGTCGCATATGCCACT-3'
Protein context (NP_000799.1, residues 341-361): FIAVCYAFVF[Ser351=]ALIEFATVNY